The following is an entry in ClinVar:

ClinVar aggregate classification (germline): Pathogenic (1 of 4 stars; one submission).

Conditions:
Microcephaly, normal intelligence and immunodeficiency (NBS). Also called: BERLIN BREAKAGE SYNDROME; Immunodeficiency, microcephaly with normal intelligence; Ataxia telangiectasia variant V1; Nijmegen breakage syndrome; Microcephaly with normal intelligence immunodeficiency and lymphoreticular malignancies; Nonsyndromal microcephaly autosomal recessive with normal intelligence. Identifiers: Orphanet 647, MedGen C0398791, MONDO:0009623, OMIM 251260.

Submission:

Labcorp Genetics (formerly Invitae), Labcorp
Classification: Pathogenic for Microcephaly, normal intelligence and immunodeficiency. Last evaluated: 2024-05-06. Review status: criteria provided, single submitter. Criteria: Invitae Variant Classification Sherloc (09022015). Collection method: clinical testing. Allele origin: germline.
Comment: This sequence change creates a premature translational stop signal (p.Pro304Leufs*11) in the NBN gene. It is expected to result in an absent or disrupted protein product. Loss-of-function variants in NBN are known to be pathogenic (PMID: 9590180, 16415040). This variant is not present in population databases (gnomAD no frequency). This variant has not been reported in the literature in individuals affected with NBN-related conditions. ClinVar contains an entry for this variant (Variation ID: 570010). For these reasons, this variant has been classified as Pathogenic.

Literature cited by the submitters: PubMed 9590180; PubMed 16415040.

NM_002485.5(NBN):c.911del (p.Pro304fs)

Gene: NBN (nibrin; minus strand). Cytogenetic location: 8q21.3.
Variant type: Deletion.
Coding change: c.911del on transcript NM_002485.5 (MANE Select); coding-DNA position 911, one base deleted (C; older notation c.911delC).
Protein change: p.Pro304fs; shifts the reading frame from proline 304.
Molecular consequence: frameshift variant.
Genome position (GRCh38, 1-based): chr8:89,964,493, G deleted on the plus strand (C on the coding strand, the reverse complement: NBN is on the minus strand); the first of 2 consecutive G bases (chr8:89,964,493-89,964,494); deleting either gives the same sequence. VCF-style (leftmost placement, unchanged base first): chr8-89964492-AG-A. GRCh37 (hg19) VCF-style: chr8-90976720-AG-A.
Other names: c.911delC (NM_002485.4); c.665del, p.Pro222fs (NM_001024688.3); short protein forms P304fs, P222fs.
Identifiers: ClinVar variation 570010 (VCV000570010.6), dbSNP rs1563549036, ClinGen allele CA891842846.